The following is an entry in ClinVar:

ClinVar aggregate classification (germline): Uncertain significance (1 of 4 stars; one submission).

Conditions:
Cardiovascular phenotype. Identifiers: MedGen CN230736.

Submission:

Ambry Genetics
Classification: Uncertain significance for Cardiovascular phenotype. Last evaluated: 2024-03-04. Review status: criteria provided, single submitter. Criteria: Ambry Variant Classification Scheme 2023. Collection method: clinical testing. Allele origin: germline.
Comment: The p.S1034T variant (also known as c.3100T>A), located in coding exon 8 of the AKAP9 gene, results from a T to A substitution at nucleotide position 3100. The serine at codon 1034 is replaced by threonine, an amino acid with similar properties. This amino acid position is conserved. In addition, this alteration is predicted to be tolerated by in silico analysis. Based on the available evidence, the clinical significance of this alteration remains unclear.

NM_005751.5(AKAP9):c.3100T>A (p.Ser1034Thr)

Gene: AKAP9 (A-kinase anchoring protein 9; plus strand). Cytogenetic location: 7q21.2.
Variant type: single nucleotide variant.
Coding change: c.3100T>A on transcript NM_005751.5 (MANE Select); coding-DNA position 3100, T replaced by A.
Protein change: p.Ser1034Thr; replaces serine 1034 with threonine.
Molecular consequence: missense variant.
Genome position (GRCh38, 1-based): chr7:92,003,017, T>A. VCF-style: chr7-92003017-T-A. GRCh37 (hg19) VCF-style: chr7-91632331-T-A.
Other names: c.3100T>A, p.Ser1034Thr (NM_147185.3); short protein forms S1034T.
Identifiers: ClinVar variation 3225037 (VCV003225037.1), dbSNP rs2484696342, ClinGen allele CA368125634.